The following is an entry in ClinVar:

NM_003011.4(SET):c.206A>G (p.Gln69Arg)

Gene: SET (SET nuclear proto-oncogene; plus strand). Cytogenetic location: 9q34.11.
Variant type: single nucleotide variant.
Coding change: c.206A>G on transcript NM_003011.4 (MANE Select); coding-DNA position 206, A replaced by G.
Protein change: p.Gln69Arg; replaces glutamine 69 with arginine.
Molecular consequence: missense variant.
Genome position (GRCh38, 1-based): chr9:128,691,932, A>G. VCF-style: chr9-128691932-A-G. GRCh37 (hg19) VCF-style: chr9-131454211-A-G.
Other names: c.245A>G, p.Gln82Arg (NM_001122821.2, NM_001374326.1); c.179A>G, p.Gln60Arg (NM_001248000.2); c.173A>G, p.Gln58Arg (NM_001248001.2); short protein forms Q58R, Q60R, Q69R, Q82R.
Identifiers: ClinVar variation 5008961 (VCV005008961.1).
Genomic context (GRCh38, chr9:128,691,932, plus strand): 5'-CCAGTGAGGAGATTTTGAAAGTAGAACAGAAATATAACAAACTCCGCCAACCATTTTTTC[A>G]GAAGAGGTCAGAATTGATCGCCAAAATCCCAAATTTTTGGGTAACAACATTTGTCAACCA-3'
Protein context (NP_003002.2, residues 59-79): KYNKLRQPFF[Gln69Arg]KRSELIAKIP

ClinVar aggregate classification (germline): Uncertain significance (1 of 4 stars; one submission).

gnomAD v4.1: 1 of 1,613,810 alleles (0.000062%); no homozygotes.

Submission:

GeneDx
Classification: Uncertain significance. Last evaluated: 2026-03-10. Review status: criteria provided, single submitter. Criteria: GeneDx Variant Classification Process June 2021. Collection method: clinical testing. Allele origin: germline.
Comment: Not observed at significant frequency in large population cohorts (gnomAD); In silico analysis suggests that this missense variant does not alter protein structure/function; Has not been previously published as pathogenic or benign to our knowledge